The following is an entry in ClinVar:

NM_003072.5(SMARCA4):c.2041A>T (p.Thr681Ser)

Gene: SMARCA4 (SWI/SNF related BAF chromatin remodeling complex subunit ATPase 4; plus strand). Cytogenetic location: 19p13.2.
Variant type: single nucleotide variant.
Coding change: c.2041A>T on transcript NM_003072.5 (MANE Select); coding-DNA position 2041, A replaced by T.
Protein change: p.Thr681Ser; replaces threonine 681 with serine.
Molecular consequence: missense variant. On other transcripts: non-coding transcript variant (1).
Genome position (GRCh38, 1-based): chr19:11,007,941, A>T. VCF-style: chr19-11007941-A-T. GRCh37 (hg19) VCF-style: chr19-11118617-A-T.
Other names: c.2041A>T, p.Thr681Ser (NM_001128844.3, NM_001128845.2, NM_001128846.2 and 6 more transcripts); short protein forms T681S.
Identifiers: ClinVar variation 1784911 (VCV001784911.2), dbSNP rs2146191197, ClinGen allele CA404052448.

ClinVar aggregate classification (germline): Uncertain significance (1 of 4 stars; one submission).

Conditions:
Hereditary cancer-predisposing syndrome. Also called: Neoplastic Syndromes, Hereditary; Tumor predisposition; Hereditary Cancer Syndrome; Hereditary neoplastic syndrome. Identifiers: Orphanet 140162, MedGen C0027672, MeSH D009386, MONDO:0015356.

Allele frequency attached by ClinVar (database versions not stated): gnomAD exomes below 0.00001.
gnomAD v4.1: 2 of 1,613,660 alleles (0.00012%); highest among the groups gnomAD compares: African/African-American, 0.0013%; no homozygotes.

Submission:

Ambry Genetics
Classification: Uncertain significance for Hereditary cancer-predisposing syndrome. Last evaluated: 2021-06-23. Review status: criteria provided, single submitter. Criteria: Ambry Variant Classification Scheme 2023. Collection method: clinical testing. Allele origin: germline.
Comment: The p.T681S variant (also known as c.2041A>T), located in coding exon 13 of the SMARCA4 gene, results from an A to T substitution at nucleotide position 2041. The threonine at codon 681 is replaced by serine, an amino acid with similar properties. Missense and in-frame variants in SMARCA4 are known to cause neurodevelopmental disorders; however, such associations with rhabdoid tumor predisposition syndrome including small cell carcinoma of the ovary-hypercalcemic type (SCCOHT) are exceedingly rare (Kosho T et al. Am J Med Genet C Semin Med Genet. 2014 Sep;166C(3):262-75; Jelinic P et al. Nat Genet. 2014 May;46(5):424-6). This amino acid position is not well conserved in available vertebrate species. In addition, this alteration is predicted to be tolerated by in silico analysis. Based on the supporting evidence, the association of this alteration with Coffin-Siris syndrome is unknown; however, the association of this alteration with rhabdoid tumor predisposition syndrome is unlikely.